The following is an entry in ClinVar:

ClinVar aggregate classification (germline): Conflicting classifications of pathogenicity. Review status: criteria provided, conflicting classifications (1 of 4 stars). 3 submissions from 3 submitters: Uncertain significance (1); Likely benign (2). Last evaluated 2024-08-29.

Allele frequency attached by ClinVar (database versions not stated): TOPMed 0.00012; gnomAD 0.00013 and 0.00014; gnomAD exomes 0.00015 and 0.00021; ExAC 0.00017.
gnomAD v4.1: 321 of 1,613,968 alleles (0.02%); highest among the groups gnomAD compares: Non-Finnish European, 0.026%; no homozygotes.

Submissions (3):

Blueprint Genetics
Classification: Likely benign. Last evaluated: 2024-08-29. Review status: criteria provided, single submitter. Criteria: ACMG Guidelines, 2015. Collection method: clinical testing. Allele origin: germline.

Ambry Genetics
Classification: Likely benign. Last evaluated: 2023-12-13. Review status: criteria provided, single submitter. Criteria: Ambry Variant Classification Scheme 2023. Collection method: clinical testing. Allele origin: germline.

Labcorp Genetics (formerly Invitae), Labcorp
Classification: Uncertain significance. Last evaluated: 2022-03-01. Review status: criteria provided, single submitter. Criteria: Invitae Variant Classification Sherloc (09022015). Collection method: clinical testing. Allele origin: germline.
Comment: This sequence change replaces serine, which is neutral and polar, with alanine, which is neutral and non-polar, at codon 782 of the LIG1 protein (p.Ser782Ala). This variant is present in population databases (rs571123414, gnomAD 0.03%). This variant has not been reported in the literature in individuals affected with LIG1-related conditions. Algorithms developed to predict the effect of missense changes on protein structure and function output the following: SIFT: "Tolerated"; PolyPhen-2: "Benign"; Align-GVGD: "Class C0". The alanine amino acid residue is found in multiple mammalian species, which suggests that this missense change does not adversely affect protein function. In summary, the available evidence is currently insufficient to determine the role of this variant in disease. Therefore, it has been classified as a Variant of Uncertain Significance.

NM_000234.3(LIG1):c.2344T>G (p.Ser782Ala)

Gene: LIG1 (DNA ligase 1; minus strand). Cytogenetic location: 19q13.33.
Variant type: single nucleotide variant.
Coding change: c.2344T>G on transcript NM_000234.3 (MANE Select); coding-DNA position 2344, T replaced by G.
Protein change: p.Ser782Ala; replaces serine 782 with alanine.
Molecular consequence: missense variant. On other transcripts: non-coding transcript variant (6).
Genome position (GRCh38, 1-based): chr19:48,121,211, A>C on the plus strand (T>G on the coding strand, the complement: LIG1 is on the minus strand). VCF-style: chr19-48121211-A-C. GRCh37 (hg19) VCF-style: chr19-48624468-A-C.
Other names: c.2344T>G (NM_000234.1); c.2251T>G, p.Ser751Ala (NM_001289063.2); c.2140T>G, p.Ser714Ala (NM_001289064.2); c.2341T>G, p.Ser781Ala (NM_001320970.2); c.2254T>G, p.Ser752Ala (NM_001320971.2); short protein forms S782A, S751A, S781A, S714A, S752A.
Identifiers: ClinVar variation 1430448 (VCV001430448.7), dbSNP rs571123414, ClinGen allele CA9546455.
Genomic context (GRCh38, chr19:48,121,211, plus strand): 5'-AGCCCCAGTTCCCCAGGACCTTGCATATGGCCTGCAGCTCCTCACTGTCCTCGTCGTAGG[A>C]GGCCAGCAGGAAGCCCCCGTACCGGCCGGCCCGCTTCCCCCGGCCCAGGTAGGCGCCGAT-3'
Protein context (NP_000225.1, residues 772-792): AGRYGGFLLA[Ser782Ala]YDEDSEELQA